The following is an entry in ClinVar:

NM_002734.5(PRKAR1A):c.718dup (p.Leu240fs)

Gene: PRKAR1A (protein kinase cAMP-dependent type I regulatory subunit alpha; plus strand). Cytogenetic location: 17q24.2.
Variant type: Duplication.
Coding change: c.718dup on transcript NM_002734.5 (MANE Select); coding-DNA position 718, one base duplicated (C; older notation c.718dupC).
Protein change: p.Leu240fs; shifts the reading frame from leucine 240.
Molecular consequence: frameshift variant.
Genome position (GRCh38, 1-based): chr17:68,527,849, C duplicated. VCF-style (leftmost placement, unchanged base first): chr17-68527848-A-AC. GRCh37 (hg19) VCF-style: chr17-66523989-A-AC.
Other names: c.718dup, p.Leu240fs (NM_001276289.2, NM_001276290.1, NM_001278433.2 and 4 more transcripts); short protein forms L240fs.
Identifiers: ClinVar variation 1368681 (VCV001368681.8), dbSNP rs2143350378, ClinGen allele CA2573154783.

ClinVar aggregate classification (germline): Pathogenic (1 of 4 stars; one submission).

Conditions:
Carney complex, type 1 (CNC1). Also called: CARNEY MYXOMA-ENDOCRINE COMPLEX; CARNEY COMPLEX, TYPE I. Identifiers: Orphanet 1359, MedGen C2607929, MONDO:0008057, OMIM 160980.

Submission:

Labcorp Genetics (formerly Invitae), Labcorp
Classification: Pathogenic for Carney complex, type 1. Last evaluated: 2021-06-20. Review status: criteria provided, single submitter. Criteria: Invitae Variant Classification Sherloc (09022015). Collection method: clinical testing. Allele origin: germline.
Comment: For these reasons, this variant has been classified as Pathogenic. This variant has been observed in individual(s) with Carney complex (PMID: 19293268). This variant is not present in population databases (ExAC no frequency). This sequence change creates a premature translational stop signal (p.Leu240Profs*8) in the PRKAR1A gene. It is expected to result in an absent or disrupted protein product. Loss-of-function variants in PRKAR1A are known to be pathogenic (PMID: 11115848, 19293268).

Literature cited by the submitters: PubMed 19293268; PubMed 11115848.